The following is an entry in ClinVar:

NM_000059.4(BRCA2):c.2113G>C (p.Glu705Gln)

Gene: BRCA2 (BRCA2 DNA repair associated; plus strand). Cytogenetic location: 13q13.1.
Variant type: single nucleotide variant.
Coding change: c.2113G>C on transcript NM_000059.4 (MANE Select); coding-DNA position 2113, G replaced by C.
Protein change: p.Glu705Gln; replaces glutamic acid 705 with glutamine.
Molecular consequence: missense variant.
Genome position (GRCh38, 1-based): chr13:32,336,468, G>C. VCF-style: chr13-32336468-G-C. GRCh37 (hg19) VCF-style: chr13-32910605-G-C.
Other names: c.2113G>C, p.Glu705Gln (NM_001406719.1, NM_001406720.1); short protein forms E705Q.
Identifiers: ClinVar variation 1786145 (VCV001786145.4), dbSNP rs2137483407, ClinGen allele CA387769986.

ClinVar aggregate classification (germline): Conflicting classifications of pathogenicity. Review status: criteria provided, conflicting classifications (1 of 4 stars). 2 submissions from 2 submitters: Uncertain significance (1); Likely benign (1). Last evaluated 2023-03-23.

Conditions:
Hereditary cancer-predisposing syndrome. Also called: Neoplastic Syndromes, Hereditary; Tumor predisposition; Hereditary Cancer Syndrome; Hereditary neoplastic syndrome. Identifiers: Orphanet 140162, MedGen C0027672, MeSH D009386, MONDO:0015356.

Allele frequency attached by ClinVar (database versions not stated): gnomAD exomes below 0.00001.
gnomAD v4.1: 1 of 1,614,040 alleles (0.000062%); highest among the groups gnomAD compares: Non-Finnish European, 0.000085%; no homozygotes.

Submissions (2):

University of Washington Department of Laboratory Medicine, University of Washington
Classification: Likely benign for Hereditary cancer-predisposing syndrome. Last evaluated: 2023-03-23. Review status: criteria provided, single submitter. Criteria: Dines et al. (Genet Med. 2020). Collection method: curation. Allele origin: germline.
Comment: Missense variant in a coldspot region where missense variants are very unlikely to be pathogenic (PMID:31911673).

BRCA2 exon 11 coldspot. Reclassification based on statistical prior probability.

Ambry Genetics
Classification: Uncertain significance for Hereditary cancer-predisposing syndrome. Last evaluated: 2021-05-28. Review status: criteria provided, single submitter. Criteria: Ambry Variant Classification Scheme 2023. Collection method: clinical testing. Allele origin: germline.
Comment: The p.E705Q variant (also known as c.2113G>C), located in coding exon 10 of the BRCA2 gene, results from a G to C substitution at nucleotide position 2113. The glutamic acid at codon 705 is replaced by glutamine, an amino acid with highly similar properties. This amino acid position is well conserved in available vertebrate species. In addition, the in silico prediction for this alteration is inconclusive. Since supporting evidence is limited at this time, the clinical significance of this alteration remains unclear.